The following is an entry in ClinVar:

ClinVar aggregate classification (germline): Benign. Review status: criteria provided, multiple submitters, no conflicts (2 of 4 stars). 3 submissions from 3 submitters: Benign (2). 1 of the submissions does not count toward it. Last evaluated 2018-11-12.

Conditions:
SHROOM3-related disorder. Also called: SHROOM3-related condition.

Allele frequency attached by ClinVar (database versions not stated): ESP Exome Variant Server 0.14539; gnomAD 0.15659 and 0.16280; TOPMed 0.16509; ExAC 0.18008; 1000 Genomes Project 30x 0.21627; 1000 Genomes Project 0.21905.
gnomAD v4.1: 245,896 of 1,613,726 alleles (15%); highest among the groups gnomAD compares: South Asian, 29%; 20,924 homozygotes.

Submissions (3):

GeneDx
Classification: Benign. Last evaluated: 2018-11-12. Review status: criteria provided, single submitter. Criteria: GeneDx Variant Classification Process June 2021. Collection method: clinical testing. Allele origin: germline. Affected: yes.
Comment: This variant is associated with the following publications: (PMID: 16574953)

Breakthrough Genomics
Classification: Benign. Review status: criteria provided, single submitter. Criteria: ACMG Guidelines, 2015. Collection method: not provided. Allele origin: germline. Inheritance: Unknown mechanism. Affected: yes.

PreventionGenetics, part of Exact Sciences
Classification: Benign for SHROOM3-related condition. Last evaluated: 2019-03-18. Review status: no assertion criteria provided. Collection method: clinical testing. Allele origin: germline. Not counted in ClinVar's aggregate classification.
Comment: This variant is classified as benign based on ACMG/AMP sequence variant interpretation guidelines (Richards et al. 2015 PMID: 25741868, with internal and published modifications).

NM_020859.4(SHROOM3):c.440T>A (p.Leu147His)

Genes: SHROOM3 (shroom family member 3; plus strand), SHROOM3-AS1 (SHROOM3 antisense RNA 1; minus strand). Cytogenetic location: 4q21.1.
Variant type: single nucleotide variant.
Coding change: c.440T>A on transcript NM_020859.4 (MANE Select); coding-DNA position 440, T replaced by A.
Protein change: p.Leu147His; replaces leucine 147 with histidine.
Molecular consequence: missense variant.
Genome position (GRCh38, 1-based): chr4:76,710,272, T>A. VCF-style: chr4-76710272-T-A. GRCh37 (hg19) VCF-style: chr4-77631425-T-A.
Other names: short protein forms L147H.
Identifiers: ClinVar variation 1238813 (VCV001238813.6), dbSNP rs3821979, ClinGen allele CA2972077.